The following is an entry in ClinVar:

ClinVar aggregate classification (germline): Uncertain significance (1 of 4 stars; one submission).

Allele frequency attached by ClinVar (database versions not stated): gnomAD exomes below 0.00001; ExAC 0.00001.
gnomAD v4.1: 3 of 1,613,972 alleles (0.00019%); highest among the groups gnomAD compares: South Asian, 0.0011%; no homozygotes.

Submission:

Labcorp Genetics (formerly Invitae), Labcorp
Classification: Uncertain significance. Last evaluated: 2023-08-02. Review status: criteria provided, single submitter. Criteria: Invitae Variant Classification Sherloc (09022015). Collection method: clinical testing. Allele origin: germline.
Comment: In summary, the available evidence is currently insufficient to determine the role of this variant in disease. Therefore, it has been classified as a Variant of Uncertain Significance. Algorithms developed to predict the effect of missense changes on protein structure and function output the following: SIFT: "Not Available"; PolyPhen-2: "Benign"; Align-GVGD: "Not Available". The arginine amino acid residue is found in multiple mammalian species, which suggests that this missense change does not adversely affect protein function. This variant has not been reported in the literature in individuals affected with MFAP5-related conditions. This variant is present in population databases (rs754191345, gnomAD 0.003%). This sequence change replaces histidine, which is basic and polar, with arginine, which is basic and polar, at codon 98 of the MFAP5 protein (p.His98Arg).

NM_003480.4(MFAP5):c.293A>G (p.His98Arg)

Gene: MFAP5 (microfibril associated protein 5; minus strand). Cytogenetic location: 12p13.31.
Variant type: single nucleotide variant.
Coding change: c.293A>G on transcript NM_003480.4 (MANE Select); coding-DNA position 293, A replaced by G.
Protein change: p.His98Arg; replaces histidine 98 with arginine.
Molecular consequence: missense variant. On other transcripts: non-coding transcript variant (2), intron variant (1).
Genome position (GRCh38, 1-based): chr12:8,650,544, T>C on the plus strand (A>G on the coding strand, the complement: MFAP5 is on the minus strand). VCF-style: chr12-8650544-T-C. GRCh37 (hg19) VCF-style: chr12-8803140-T-C.
Other names: c.263A>G, p.His88Arg (NM_001297709.2); c.227A>G, p.His76Arg (NM_001297710.2); c.218A>G, p.His73Arg (NM_001297711.2); c.218-2341A>G (NM_001297712.2); short protein forms H76R, H88R, H73R, H98R.
Identifiers: ClinVar variation 2878282 (VCV002878282.3), dbSNP rs754191345, ClinGen allele CA6434642.
Genomic context (GRCh38, chr12:8,650,544, plus strand): 5'-CATTCTGGGATCCCTTACCTGGTGAAGCATAACTGATGAATGCATTGTTTAACCGGCCGA[T>C]GCACAGAGTAGAGCCTTGTGCAGGTAAATTTCTCATCCCAGCACTCTGAGGAAGCCCAAT-3'
Protein context (NP_003471.1, residues 88-108): KFTCTRLYSV[His98Arg]RPVKQCIHQL